The following is an entry in ClinVar:

NM_000038.6(APC):c.7452A>G (p.Leu2484=)

Gene: APC (APC regulator of Wnt signaling pathway; plus strand). Cytogenetic location: 5q22.2.
Variant type: single nucleotide variant.
Coding change: c.7452A>G on transcript NM_000038.6 (MANE Select); coding-DNA position 7452, A replaced by G.
Protein change: p.Leu2484=; no amino-acid change (leucine 2484 retained).
Molecular consequence: synonymous variant. On other transcripts: non-coding transcript variant (2).
Genome position (GRCh38, 1-based): chr5:112,843,046, A>G. VCF-style: chr5-112843046-A-G. GRCh37 (hg19) VCF-style: chr5-112178743-A-G.
Other names: c.7398A>G, p.Leu2466= (NM_001127511.3); c.7377A>G, p.Leu2459= (NM_001354898.2); c.7452A>G, p.Leu2484= (NM_001354895.2, NM_001127510.3, NM_001407450.1); c.7368A>G, p.Leu2456= (NM_001354899.2); c.7482A>G, p.Leu2494= (NM_001354897.2); c.7506A>G, p.Leu2502= (NM_001354896.2, NM_001407447.1, NM_001407448.1 and 1 more transcripts); c.7329A>G, p.Leu2443= (NM_001354900.2); c.7275A>G, p.Leu2425= (NM_001354901.2, NM_001407453.1); and 11 more.
Identifiers: ClinVar variation 3231298 (VCV003231298.2), dbSNP rs1202993576, ClinGen allele CA446210718.
Genomic context (GRCh38, chr5:112,843,046, plus strand): 5'-TCTTTCTCCATCATCTAGACCAGCTTCTCCCACTAGGTCCCAGGCACAAACTCCAGTTTT[A>G]AGTCCTTCCCTTCCTGATATGTCTCTATCCACACATTCGTCTGTTCAGGCTGGTGGATGG-3'
Protein context (NP_000029.2, residues 2474-2494): PTRSQAQTPV[Leu2484=]SPSLPDMSLS

ClinVar aggregate classification (germline): Benign/Likely benign. Review status: criteria provided, multiple submitters, no conflicts (2 of 4 stars). 2 submissions from 2 submitters: Benign (1); Likely benign (1). Last evaluated 2024-04-09.

Conditions:
Familial adenomatous polyposis 1 (FAP1). Also called: POLYPOSIS, ADENOMATOUS INTESTINAL; FAMILIAL ADENOMATOUS POLYPOSIS 1, ATTENUATED. Identifiers: MedGen C2713442, MONDO:0021056, OMIM 175100. Disease mechanism: loss of function.
Hereditary cancer-predisposing syndrome. Also called: Neoplastic Syndromes, Hereditary; Tumor predisposition; Hereditary neoplastic syndrome; Hereditary Cancer Syndrome. Identifiers: Orphanet 140162, MedGen C0027672, MeSH D009386, MONDO:0015356.

Allele frequency attached by ClinVar (database versions not stated): gnomAD 0.00001.
gnomAD v4.1: 1 of 1,613,764 alleles (0.000062%); highest among the groups gnomAD compares: African/African-American, 0.0013%; no homozygotes.

Submissions (2):

Myriad Genetics, Inc.
Classification: Benign for Familial adenomatous polyposis 1. Last evaluated: 2024-04-09. Review status: criteria provided, single submitter. Criteria: Myriad Autosomal Dominant, Autosomal Recessive and X-Linked Classification Criteria (2023). Collection method: clinical testing. Allele origin: unknown.
Comment: This variant is considered benign. This variant is a silent/synonymous amino acid change and it is not expected to impact splicing.

Ambry Genetics
Classification: Likely benign for Hereditary cancer-predisposing syndrome. Last evaluated: 2024-02-22. Review status: criteria provided, single submitter. Criteria: Ambry Variant Classification Scheme 2023. Collection method: clinical testing. Allele origin: germline.